The following is an entry in ClinVar:

ClinVar aggregate classification (germline): Conflicting classifications of pathogenicity. Review status: criteria provided, conflicting classifications (1 of 4 stars). 3 submissions from 3 submitters: Likely pathogenic (1); Uncertain significance (1); Likely benign (1). Last evaluated 2023-08-01.

Allele frequency attached by ClinVar (database versions not stated): ExAC 0.00038; gnomAD exomes 0.00041; 1000 Genomes Project 0.00060; 1000 Genomes Project 30x 0.00062; gnomAD 0.00066 and 0.00072; ESP Exome Variant Server 0.00069; TOPMed 0.00076.

Submissions (3):

GeneDx
Classification: Likely pathogenic. Last evaluated: 2023-08-01. Review status: criteria provided, single submitter. Criteria: GeneDx Variant Classification Process June 2021. Collection method: clinical testing. Allele origin: germline. Affected: yes.
Comment: Identified with the K234R variant on the same allele (in cis) in individuals with relapses in visceral leishmaniasis infection after treatment; the [K234R;R405X] allele was observed in both the heterozygous and homozygous state in the affected individuals and was also heterozygous in unaffected parents (Marquet et al., 2017); Published functional studies on the p.(R405*) variant alone demonstrate a damaging effect on protein expression and cellular activity; when combined with p.(K234R), functional studies demonstrate a more significant reduction in protein expression (Watschinger et al., 2018); Nonsense variant predicted to result in protein truncation as the last 41 amino acids are lost, although loss-of-function variants have not been reported downstream of this position in the protein; This variant is associated with the following publications: (PMID: 28586473, 29741738, 31345219)

Labcorp Genetics (formerly Invitae), Labcorp
Classification: Likely benign. Last evaluated: 2019-12-31. Review status: criteria provided, single submitter. Criteria: Invitae Variant Classification Sherloc (09022015). Collection method: clinical testing. Allele origin: germline.

Eurofins Ntd Llc (ga)
Classification: Uncertain significance. Last evaluated: 2017-05-08. Review status: criteria provided, single submitter. Criteria: EGL Classification Definitions 2015. Collection method: clinical testing. Allele origin: germline. Observed: 1 variant allele, 1 heterozygote.

NM_001004320.2(AGMO):c.1213C>T (p.Arg405Ter)

Gene: AGMO (alkylglycerol monooxygenase; minus strand). Cytogenetic location: 7p21.2.
Variant type: single nucleotide variant.
Coding change: c.1213C>T on transcript NM_001004320.2 (MANE Select); coding-DNA position 1213, C replaced by T.
Protein change: p.Arg405Ter; replaces arginine 405 with a stop codon.
Molecular consequence: nonsense.
Genome position (GRCh38, 1-based): chr7:15,365,564, G>A on the plus strand (C>T on the coding strand, the complement: AGMO is on the minus strand). VCF-style: chr7-15365564-G-A. GRCh37 (hg19) VCF-style: chr7-15405189-G-A.
Other names: short protein forms R405*.
Identifiers: ClinVar variation 501883 (VCV000501883.13), dbSNP rs139309795, ClinGen allele CA4168309.